The following is an entry in ClinVar:

NM_001289104.2(PRKCSH):c.1569G>T (p.Pro523=)

Gene: PRKCSH (PRKCSH beta subunit of glucosidase II; plus strand). Cytogenetic location: 19p13.2.
Variant type: single nucleotide variant.
Coding change: c.1569G>T on transcript NM_001289104.2 (MANE Select); coding-DNA position 1569, G replaced by T.
Protein change: p.Pro523=; no amino-acid change (proline 523 retained).
Molecular consequence: synonymous variant.
Genome position (GRCh38, 1-based): chr19:11,449,373, G>T. VCF-style: chr19-11449373-G-T. GRCh37 (hg19) VCF-style: chr19-11560188-G-T.
Other names: c.1539G>T, p.Pro513= (NM_001001329.3, NM_001289102.2, NM_001379609.1); c.1569G>T, p.Pro523= (NM_001289103.2); c.1548G>T, p.Pro516= (NM_001379608.1, NM_002743.3).
Identifiers: ClinVar variation 890308 (VCV000890308.9), dbSNP rs149505716, ClinGen allele CA9213370.

ClinVar aggregate classification (germline): Likely benign. Review status: criteria provided, multiple submitters, no conflicts (2 of 4 stars). 3 submissions from 3 submitters: Likely benign (3). Last evaluated 2025-09-09.

Conditions:
Polycystic liver disease 1 (PCLD1). Also called: Polycystic liver disease 1 with or without kidney cysts. Identifiers: Orphanet 2924, MedGen C0887850, MONDO:0008265, OMIM 174050.

Allele frequency attached by ClinVar (database versions not stated): TOPMed 0.00004.
gnomAD v4.1: 15 of 1,613,334 alleles (0.00093%); highest among the groups gnomAD compares: Admixed American, 0.023%; no homozygotes.

Submissions (3):

Labcorp Genetics (formerly Invitae), Labcorp
Classification: Likely benign. Last evaluated: 2025-09-09. Review status: criteria provided, single submitter. Criteria: Invitae Variant Classification Sherloc (09022015). Collection method: clinical testing. Allele origin: germline.

Fulgent Genetics
Classification: Likely benign for Polycystic liver disease 1. Last evaluated: 2021-12-14. Review status: criteria provided, single submitter. Criteria: ACMG Guidelines, 2015. Collection method: clinical testing. Allele origin: unknown.

Illumina Laboratory Services, Illumina
Classification: Likely benign for Polycystic liver disease 1. Last evaluated: 2018-01-13. Review status: criteria provided, single submitter. Criteria: ICSL Variant Classification Criteria 13 December 2019. Collection method: clinical testing. Allele origin: germline.
Comment: This variant was observed in the ICSL laboratory as part of a predisposition screen in an ostensibly healthy population. It had not been previously curated by ICSL or reported in the Human Gene Mutation Database (HGMD: prior to June 1st, 2018), and was therefore a candidate for classification through an automated scoring system. Utilizing variant allele frequency, disease prevalence and penetrance estimates, and inheritance mode, an automated score was calculated to assess if this variant is too frequent to cause the disease. Based on the score and internal cut-off values, a variant classified as likely benign is not then subjected to further curation. The score for this variant resulted in a classification of likely benign for this disease.